The following is an entry in ClinVar:

Single allele

Variant type: Duplication.
Identifiers: ClinVar variation 157165 (VCV000157165.2).

ClinVar aggregate classification (germline): not provided (0 of 4 stars; one submission).

Conditions:
Normal pregnancy. Identifiers: MedGen C0232989.

Submission:

Institute of Molecular and Cell Biology, University of Tartu
No classification provided. Condition: Normal pregnancy. Review status: no classification provided. Collection method: case-control. Allele origin: unknown. Affected: yes. Study: Kasak2014.
Comment: The study aimed to determine the contribution of copy number variants in the genetic etiology of normal and complicated pregnancies. The samples represented (i) maternal blood DNA drawn from healthy pregnant women during 1st or 2nd trimester and (ii) maternal and paternal blood DNA drawn at term pregnancy cases representing normal and complicated gestations (severe preeclampsia, PE; gestational diabetes, GD; small-for-gestational age newborn, SGA; large-for-gestational age newborn, LGA). We performed CNV calling based on genome-wide genotyping dataset (Illumina HumanOmniExpress-24-v1 BeadChip) by applying three algorithms, QuantiSNP, GADA (Genome Alteration Detection Algorithm) and CNstream in parallel. The acquired CNV calls were merged with HD-CNV (Hotspot Detector for Copy Number Variants) program and only the CNVs predicted by at least two programs, were considered in subsequent analysis.

Literature cited by the submitters: PubMed 25666259.